The following is an entry in ClinVar:

ClinVar aggregate classification (germline): Uncertain significance. Review status: criteria provided, multiple submitters, no conflicts (2 of 4 stars). 3 submissions from 3 submitters: Uncertain significance (3). Last evaluated 2025-12-04.

Conditions:
Familial adenomatous polyposis 1 (FAP1). Also called: POLYPOSIS, ADENOMATOUS INTESTINAL; FAMILIAL ADENOMATOUS POLYPOSIS 1, ATTENUATED. Identifiers: MedGen C2713442, MONDO:0021056, OMIM 175100. Disease mechanism: loss of function.
Hereditary cancer-predisposing syndrome. Also called: Hereditary neoplastic syndrome; Neoplastic Syndromes, Hereditary; Tumor predisposition; Hereditary Cancer Syndrome. Identifiers: Orphanet 140162, MedGen C0027672, MeSH D009386, MONDO:0015356.

Allele frequency attached by ClinVar (database versions not stated): gnomAD exomes below 0.00001.
gnomAD v4.1: 6 of 1,613,936 alleles (0.00037%); highest among the groups gnomAD compares: Non-Finnish European, 0.00051%; no homozygotes.

Submissions (3):

Ambry Genetics
Classification: Uncertain significance for Hereditary cancer-predisposing syndrome. Last evaluated: 2025-12-04. Review status: criteria provided, single submitter. Criteria: Ambry Variant Classification Scheme 2023. Collection method: clinical testing. Allele origin: germline.
Comment: The p.E2106K variant (also known as c.6316G>A), located in coding exon 15 of the APC gene, results from a G to A substitution at nucleotide position 6316. The glutamic acid at codon 2106 is replaced by lysine, an amino acid with similar properties. This amino acid position is highly conserved in available vertebrate species. In addition, in silico predictors for this gene do not accurately predict pathogenicity. Missense alterations in APC are not a common cause of disease (Spier I et al. Genet Med. 2024 Feb;26(2):100992). Based on the available evidence, the clinical significance of this variant remains unclear.

Labcorp Genetics (formerly Invitae), Labcorp
Classification: Uncertain significance for Familial adenomatous polyposis 1. Last evaluated: 2025-11-01. Review status: criteria provided, single submitter. Criteria: Invitae Variant Classification Sherloc (09022015). Collection method: clinical testing. Allele origin: germline.
Comment: This sequence change replaces glutamic acid, which is acidic and polar, with lysine, which is basic and polar, at codon 2106 of the APC protein (p.Glu2106Lys). This variant is not present in population databases (gnomAD no frequency). This variant has not been reported in the literature in individuals affected with APC-related conditions. ClinVar contains an entry for this variant (Variation ID: 470041). Invitae Evidence Modeling of protein sequence and biophysical properties (such as structural, functional, and spatial information, amino acid conservation, physicochemical variation, residue mobility, and thermodynamic stability) indicates that this missense variant is not expected to disrupt APC protein function with a negative predictive value of 95%. In summary, the available evidence is currently insufficient to determine the role of this variant in disease. Therefore, it has been classified as a Variant of Uncertain Significance.

GeneDx
Classification: Uncertain significance. Last evaluated: 2023-03-14. Review status: criteria provided, single submitter. Criteria: GeneDx Variant Classification Process June 2021. Collection method: clinical testing. Allele origin: germline. Affected: yes.
Comment: Not observed at significant frequency in large population cohorts (gnomAD); In silico analysis supports that this missense variant has a deleterious effect on protein structure/function; Has not been previously published as pathogenic or benign to our knowledge

NM_000038.6(APC):c.6316G>A (p.Glu2106Lys)

Gene: APC (APC regulator of Wnt signaling pathway; plus strand). Cytogenetic location: 5q22.2.
Variant type: single nucleotide variant.
Coding change: c.6316G>A on transcript NM_000038.6 (MANE Select); coding-DNA position 6316, G replaced by A.
Protein change: p.Glu2106Lys; replaces glutamic acid 2106 with lysine.
Molecular consequence: missense variant.
Genome position (GRCh38, 1-based): chr5:112,841,910, G>A. VCF-style: chr5-112841910-G-A. GRCh37 (hg19) VCF-style: chr5-112177607-G-A.
Other names: c.6316G>A, p.Glu2106Lys (NM_001127510.3, NM_001354895.2); c.6262G>A, p.Glu2088Lys (NM_001127511.3); c.6370G>A, p.Glu2124Lys (NM_001354896.2); c.6346G>A, p.Glu2116Lys (NM_001354897.2); c.6241G>A, p.Glu2081Lys (NM_001354898.2); c.6232G>A, p.Glu2078Lys (NM_001354899.2); c.6193G>A, p.Glu2065Lys (NM_001354900.2); c.6139G>A, p.Glu2047Lys (NM_001354901.2); and 5 more; short protein forms E2088K, E2106K, E1946K, E1980K, E2065K, E2078K, E2124K, E1823K.
Identifiers: ClinVar variation 470041 (VCV000470041.19), dbSNP rs886059796, ClinGen allele CA16035165.